The following is an entry in ClinVar:

ClinVar aggregate classification (germline): Conflicting classifications of pathogenicity. Review status: criteria provided, conflicting classifications (1 of 4 stars). 7 submissions from 7 submitters: Uncertain significance (4); Likely benign (3). Last evaluated 2026-01-07.

Conditions:
Hereditary breast ovarian cancer syndrome. Also called: Hereditary breast and/or ovarian cancer syndrome; BRCA1- and BRCA2-Associated Hereditary Breast and Ovarian Cancer; Hereditary breast and ovarian cancer syndrome; Hereditary breast and ovarian cancer; Hereditary breast and ovarian cancer syndrome (HBOC); Breast and ovarian cancer. Identifiers: Orphanet 145, MedGen C0677776, MeSH D061325, MONDO:0003582. Disease mechanism: loss of function.
BRCA1-related disorder. Also called: BRCA1-related condition.
Hereditary cancer-predisposing syndrome. Also called: Tumor predisposition; Hereditary Cancer Syndrome; Hereditary neoplastic syndrome; Neoplastic Syndromes, Hereditary. Identifiers: Orphanet 140162, MedGen C0027672, MeSH D009386, MONDO:0015356.
Breast-ovarian cancer, familial, susceptibility to, 1 (BROVCA1). Also called: BRCA1 Hereditary Breast and Ovarian Cancer; OVARIAN CANCER, SUSCEPTIBILITY TO. Identifiers: Orphanet 145, MedGen C2676676, MONDO:0011450, OMIM 604370. Disease mechanism: loss of function.

Allele frequency attached by ClinVar (database versions not stated): gnomAD exomes below 0.00001; ExAC 0.00001.
gnomAD v4.1: 1 of 1,614,132 alleles (0.000062%); highest among the groups gnomAD compares: South Asian, 0.0011%; no homozygotes.

Submissions (8):

Labcorp Genetics (formerly Invitae), Labcorp
Classification: Uncertain significance for Hereditary breast ovarian cancer syndrome. Last evaluated: 2026-01-07. Review status: criteria provided, single submitter. Criteria: Invitae Variant Classification Sherloc (09022015). Collection method: clinical testing. Allele origin: germline.
Comment: This sequence change replaces glutamic acid, which is acidic and polar, with lysine, which is basic and polar, at codon 1794 of the BRCA1 protein (p.Glu1794Lys). This variant is present in population databases (rs776323117, gnomAD 0.006%). This missense change has been observed in individual(s) with breast cancer and pancreatic cancer (PMID: 32803532, 35171259). ClinVar contains an entry for this variant (Variation ID: 865677). Invitae Evidence Modeling incorporating data from in vitro experimental studies (PMID: 30209399) indicates that this missense variant is not expected to disrupt BRCA1 function with a negative predictive value of 95%. Experimental studies have shown that this missense change does not substantially affect BRCA1 function (PMID: 30209399). In summary, the available evidence is currently insufficient to determine the role of this variant in disease. Therefore, it has been classified as a Variant of Uncertain Significance.

Color Diagnostics, LLC DBA Color Health
Classification: Likely benign for Hereditary cancer-predisposing syndrome. Last evaluated: 2025-08-20. Review status: criteria provided, single submitter. Criteria: ACMG Guidelines, 2015. Collection method: clinical testing. Allele origin: germline.

Lupski Lab, Baylor-Hopkins CMG, Baylor College of Medicine
Classification: Likely benign for Breast-ovarian cancer, familial, susceptibility to, 1. Last evaluated: 2024-04-12. Review status: criteria provided, single submitter. Criteria: Dawood et al. (medRxiv. 2024). Collection method: curation. Allele origin: germline.
Comment: Each variant was annotated with functional scores from MAVE data which was translated into functional evidence codes. All other evidence codes and combining criteria were adhered to as closely as possible based on the ClinGen VCEP (Variant Curation Expert Panel) gene-specific recommendations. See Supplemental Figure 34 of final paper (Supp Fig. 28 in preprint: doi:10.1101/2024.04.11.24305690) for a table to see which lines of evidence we did not have data for. The ClinGen VCEPs are highly regarded as the gold-standard for gene-specific variant curation and are developed after extensive evaluation of the evidence by clinical and scientific experts for the particular gene to classify genomic variants on a spectrum from pathogenic to benign using the 2015 ACMG/AMP Variant Interpretation Guidelines as a backbone (PMID: 25741868). Reclassification of these VUS variants from gnomAD or All of Us focused only on variants originally prescribed as VUS in ClinVar. To ensure reproducibility, transparency, and increased throughput, all the procedures for annotating variants and assigning evidence codes were codified using Python. All code has been made freely available and is linked in the Code Availability section and all reclassified variants with evidence codes used can be found in Tables S18-19 (preprint: doi:10.1101/2024.04.11.24305690). For the MAVE data, the clinical curation and clinical strength assignment as per the ClinGen recommendations in Brnich et al. (2020) (PMID: 31892348) for or against pathogenicity or benignity of each of these MAVE datasets utilized in this study were previously published in Fayer et al. (2021) (PMID: 34793697).In brief, for BRCA1 variants, if a variant was categorized as FUNC (functional), it was assigned BS3 evidence and no PS3 evidence, whereas if it was categorized as LOF (loss of function), the variant was assigned PS3 evidence and no BS3 evidence. Variants categorized as INT (intermediate) were left unannotated. For the BRCA1 combining criteria, greater than or equal to 1 criteria of strong benign evidence was enough to reclassify the VUS as Likely Benign. This variant GRCh38:17:43049147:C>T was assigned evidence codes ['BS3', 'BP4'] and an overall classification of Likely benign

PreventionGenetics, part of Exact Sciences
Classification: Uncertain significance for BRCA1-related condition. Last evaluated: 2023-08-31. Review status: criteria provided, single submitter. Criteria: ACMG Guidelines, 2015. Collection method: clinical testing. Allele origin: germline.
Comment: The BRCA1 c.5380G>A variant is predicted to result in the amino acid substitution p.Glu1794Lys. This variant has been reported in individuals with breast cancer (Table 3, Kim et al. 2020. PubMed ID: 31907386; Wan et al. 2021. PubMed ID: 32803532; Table S1, Dong et al. 2020. PubMed ID: 32467295). This variant was also found in an individual with pancreatic cancer who had no family history of cancer (eTable 4: described as Glu1815Lys, Yin et al. 2022. PubMed ID: 35171259). This variant is reported in 0.0054% of alleles in individuals of East Asian descent in gnomAD. This variant has been reported in ClinVar as having conflicting interpretations ranging from likely benign to uncertain. At this time, the clinical significance of this variant is uncertain due to the absence of conclusive functional and genetic evidence.

All of Us Research Program, National Institutes of Health
Classification: Uncertain significance for Breast-ovarian cancer, familial, susceptibility to, 1. Last evaluated: 2023-03-23. Review status: criteria provided, single submitter. Criteria: ACMG Guidelines, 2015. Collection method: clinical testing. Allele origin: germline. Inheritance: Autosomal dominant inheritance. Observed: 1 variant allele, 1 heterozygote.
Comment: This missense variant replaces glutamic acid with lysine at codon 1794 of the BRCA1 protein. Computational prediction is inconclusive regarding the impact of this variant on protein structure and function (internally defined REVEL score threshold 0.5 < inconclusive < 0.7, PMID: 27666373). This variant has been reported to be functional in a haploid cell proliferation assay (PMID: 30209399). This variant has been reported in three individuals without history of cancer (PMID: 32467295) and three individuals affected with breast cancer (PMID: 32803532), and it also has been detected in a breast cancer case-control meta-analysis in 0/60466 cases and 1/53461 unaffected individuals (PMID: 33471991; Leiden Open Variation Database DB-ID BRCA1_000886). This variant has been identified in 1/251452 chromosomes in the general population by the Genome Aggregation Database (gnomAD). The available evidence is insufficient to determine the role of this variant in disease conclusively. Therefore, this variant is classified as a Variant of Uncertain Significance.

This study involves interpretation of variants in research participants for the purpose of population health screening. Participant phenotype was not available at the time of variant classification. Additional details can be found in publication PMID: 35346344, PMCID: PMC8962531

Ambry Genetics
Classification: Likely benign for Hereditary cancer-predisposing syndrome. Last evaluated: 2021-09-15. Review status: criteria provided, single submitter. Criteria: Ambry Variant Classification Scheme 2023. Collection method: clinical testing. Allele origin: germline.

Breast Center, Key Laboratory of Carcinogenesis and Translational Research
Classification: Uncertain significance for Hereditary breast and ovarian cancer syndrome. Last evaluated: 2020-05-01. Review status: criteria provided, single submitter. Criteria: ACMG Guidelines, 2015. Collection method: clinical testing. Allele origin: germline. Observed: 3 variant alleles.

Brotman Baty Institute, University of Washington
No classification provided (evidence only). Condition: Breast-ovarian cancer, familial 1. Review status: no classification provided. Collection method: in vitro. Allele origin: not applicable. Functional consequence: functionally_normal. Not counted in ClinVar's aggregate classification.
ClinVar note: "not provided" was previously submitted as the classification for the variant. However, the classification appeared to be based only on an observation of functional data so it was converted to no classification on 2025-07-30.

Literature cited by the submitters: PubMed 32803532 (cited by Labcorp Genetics (formerly Invitae), Labcorp and All of Us Research Program, National Institutes of Health); PubMed 35171259 (cited by Labcorp Genetics (formerly Invitae), Labcorp); PubMed 30209399 (cited by 4 submitters); PubMed 39142283 (cited by Lupski Lab, Baylor-Hopkins CMG, Baylor College of Medicine); PubMed 34793697 (cited by Lupski Lab, Baylor-Hopkins CMG, Baylor College of Medicine); DOI 10.1101/2024.04.11.24305690 (cited by Lupski Lab, Baylor-Hopkins CMG, Baylor College of Medicine); PubMed 32467295 (cited by All of Us Research Program, National Institutes of Health); PubMed 33471991 (cited by All of Us Research Program, National Institutes of Health); PubMed 31907386 (cited by Ambry Genetics).

NM_007294.4(BRCA1):c.5380G>A (p.Glu1794Lys)

Gene: BRCA1 (BRCA1 DNA repair associated; minus strand). Cytogenetic location: 17q21.31.
Variant type: single nucleotide variant.
Coding change: c.5380G>A on transcript NM_007294.4 (MANE Select); coding-DNA position 5380, G replaced by A.
Protein change: p.Glu1794Lys; replaces glutamic acid 1794 with lysine.
Molecular consequence: missense variant. On other transcripts: non-coding transcript variant (1), intron variant (1).
Genome position (GRCh38, 1-based): chr17:43,049,147, C>T on the plus strand (G>A on the coding strand, the complement: BRCA1 is on the minus strand). VCF-style: chr17-43049147-C-T. GRCh37 (hg19) VCF-style: chr17-41201164-C-T.
Other names: c.5167G>A, p.Glu1723Lys (NM_001407571.1, NM_001407904.1, NM_001407906.1 and 12 more transcripts); c.5446G>A, p.Glu1816Lys (NM_001407581.1, NM_001407582.1); c.5443G>A, p.Glu1815Lys (NM_001407583.1, NM_001407585.1, NM_001407587.1 and 1 more transcripts); c.5440G>A, p.Glu1814Lys (NM_001407590.1, NM_001407591.1); c.5380G>A, p.Glu1794Lys (NM_001407593.1, NM_001407594.1, NM_001407596.1 and 5 more transcripts); c.5377G>A, p.Glu1793Lys (NM_001407610.1, NM_001407611.1, NM_001407612.1 and 14 more transcripts); c.5374G>A, p.Glu1792Lys (NM_001407627.1, NM_001407628.1, NM_001407629.1 and 13 more transcripts); c.5371G>A, p.Glu1791Lys (NM_001407645.1, NM_001407644.1); and 73 more; short protein forms E690K, E1794K, E1815K, E1747K, E1497K, E1665K, E1666K, E1682K.
Identifiers: ClinVar variation 865677 (VCV000865677.18), dbSNP rs776323117, ClinGen allele CA054791.